The following is an entry in ClinVar:

ClinVar aggregate classification (germline): Uncertain significance (1 of 4 stars; one submission).

Allele frequency attached by ClinVar (database versions not stated): gnomAD exomes 0.00003; TOPMed 0.00003; ExAC 0.00006.

Submission:

Labcorp Genetics (formerly Invitae), Labcorp
Classification: Uncertain significance. Last evaluated: 2025-10-09. Review status: criteria provided, single submitter. Criteria: Invitae Variant Classification Sherloc (09022015). Collection method: clinical testing. Allele origin: germline.
Comment: This sequence change replaces arginine, which is basic and polar, with tryptophan, which is neutral and slightly polar, at codon 174 of the TCF3 protein (p.Arg174Trp). This variant is present in population databases (rs746631584, gnomAD 0.04%). This variant has not been reported in the literature in individuals affected with TCF3-related conditions. ClinVar contains an entry for this variant (Variation ID: 1943541). Invitae Evidence Modeling of protein sequence and biophysical properties (such as structural, functional, and spatial information, amino acid conservation, physicochemical variation, residue mobility, and thermodynamic stability) indicates that this missense variant is expected to disrupt TCF3 protein function with a positive predictive value of 80%. In summary, the available evidence is currently insufficient to determine the role of this variant in disease. Therefore, it has been classified as a Variant of Uncertain Significance.

NM_003200.5(TCF3):c.520C>T (p.Arg174Trp)

Gene: TCF3 (transcription factor 3; minus strand). Cytogenetic location: 19p13.3.
Variant type: single nucleotide variant.
Coding change: c.520C>T on transcript NM_003200.5 (MANE Select); coding-DNA position 520, C replaced by T.
Protein change: p.Arg174Trp; replaces arginine 174 with tryptophan.
Molecular consequence: missense variant.
Genome position (GRCh38, 1-based): chr19:1,623,980, G>A on the plus strand (C>T on the coding strand, the complement: TCF3 is on the minus strand). VCF-style: chr19-1623980-G-A. GRCh37 (hg19) VCF-style: chr19-1623979-G-A.
Other names: c.520C>T, p.Arg174Trp (NM_001136139.4, NM_001351778.2, NM_001351779.2); short protein forms R174W.
Identifiers: ClinVar variation 1943541 (VCV001943541.5), dbSNP rs746631584, ClinGen allele CA9050340.